The following is an entry in ClinVar:

NM_002241.5(KCNJ10):c.718G>A (p.Val240Ile)

Gene: KCNJ10 (potassium inwardly rectifying channel subfamily J member 10; minus strand). Cytogenetic location: 1q23.2.
Variant type: single nucleotide variant.
Coding change: c.718G>A on transcript NM_002241.5 (MANE Select); coding-DNA position 718, G replaced by A.
Protein change: p.Val240Ile; replaces valine 240 with isoleucine.
Molecular consequence: missense variant.
Genome position (GRCh38, 1-based): chr1:160,041,815, C>T on the plus strand (G>A on the coding strand, the complement: KCNJ10 is on the minus strand). VCF-style: chr1-160041815-C-T. GRCh37 (hg19) VCF-style: chr1-160011605-C-T.
Other names: short protein forms V240I.
Identifiers: ClinVar variation 2196878 (VCV002196878.4), dbSNP rs751293401, ClinGen allele CA1193212.
Genomic context (GRCh38, chr1:160,041,815, plus strand): 5'-CTACCACATGATAGAAGGTAAGGGGTAGAATAAGGAAGGGGCTGTCAGAGGCTGTGTCTA[C>T]TTGGAAAGTCACATTGACCTGGTTGAGCCGGATGTTCTCCCCTTCCTTGGTTTGGTGGGT-3'
Protein context (NP_002232.2, residues 230-250): RLNQVNVTFQ[Val240Ile]DTASDSPFLI

ClinVar aggregate classification (germline): Uncertain significance (1 of 4 stars; one submission).

Conditions:
EAST syndrome (SESAMES). Also called: SEIZURES, SENSORINEURAL DEAFNESS, ATAXIA, IMPAIRED INTELLECTUAL DEVELOPMENT, AND ELECTROLYTE IMBALANCE. Identifiers: Orphanet 199343, MedGen C2748572, MONDO:0013005, OMIM 612780.

gnomAD v4.1: 19 of 1,614,200 alleles (0.0012%); highest among the groups gnomAD compares: South Asian, 0.021%; 2 homozygotes.

Submission:

Labcorp Genetics (formerly Invitae), Labcorp
Classification: Uncertain significance for EAST syndrome. Last evaluated: 2025-02-16. Review status: criteria provided, single submitter. Criteria: Invitae Variant Classification Sherloc (09022015). Collection method: clinical testing. Allele origin: germline.
Comment: This sequence change replaces valine, which is neutral and non-polar, with isoleucine, which is neutral and non-polar, at codon 240 of the KCNJ10 protein (p.Val240Ile). This variant is present in population databases (rs751293401, gnomAD 0.02%). This variant has not been reported in the literature in individuals affected with KCNJ10-related conditions. ClinVar contains an entry for this variant (Variation ID: 2196878). Invitae Evidence Modeling of protein sequence and biophysical properties (such as structural, functional, and spatial information, amino acid conservation, physicochemical variation, residue mobility, and thermodynamic stability) has been performed for this missense variant. However, the output from this modeling did not meet the statistical confidence thresholds required to predict the impact of this variant on KCNJ10 protein function. In summary, the available evidence is currently insufficient to determine the role of this variant in disease. Therefore, it has been classified as a Variant of Uncertain Significance.